The following is an entry in ClinVar:

NC_012920.1(MT-CO1):m.6040A>G

Gene: MT-CO1 (mitochondrially encoded cytochrome c oxidase I; plus strand).
Variant type: single nucleotide variant.
Genome position: chrM-6040-A-G.
Identifiers: ClinVar variation 692609 (VCV000692609.1), dbSNP rs1556423072, ClinGen allele CA414781344.

ClinVar aggregate classification (germline): Benign (1 of 4 stars; one submission).

Conditions:
Leigh syndrome (NULS). Also called: Leigh's necrotizing encephalopathy; Leigh's disease; Leigh Syndrome (mtDNA deletion); Leigh Disease; Subacute necrotizing encephalopathy; Necrotizing encephalopathy infantile subacute of Leigh. Identifiers: Orphanet 506, MedGen C2931891, MONDO:0009723, OMIM 256000.

Submission:

Wong Mito Lab, Molecular and Human Genetics, Baylor College of Medicine
Classification: Benign for Leigh syndrome. Last evaluated: 2019-10-17. Review status: criteria provided, single submitter. Criteria: Modified ACMG Guidelines (Unpublished). Collection method: clinical testing. Allele origin: germline.
Comment: The NC_012920.1:m.6040A>G (YP_003024028.1:p.Asn46Ser) variant in MTCO1 gene is interpretated to be a Benign variant based on the modified ACMG guidelines (unpublished). This variant meets the following evidence codes: BS1, BS2, BP4